The following is an entry in ClinVar:

NM_001854.4(COL11A1):c.3271G>A (p.Ala1091Thr)

Gene: COL11A1 (collagen type XI alpha 1 chain; minus strand). Cytogenetic location: 1p21.1.
Variant type: single nucleotide variant.
Coding change: c.3271G>A on transcript NM_001854.4 (MANE Select); coding-DNA position 3271, G replaced by A.
Protein change: p.Ala1091Thr; replaces alanine 1091 with threonine.
Molecular consequence: missense variant. On other transcripts: non-coding transcript variant (1).
Genome position (GRCh38, 1-based): chr1:102,946,854, C>T on the plus strand (G>A on the coding strand, the complement: COL11A1 is on the minus strand). VCF-style: chr1-102946854-C-T. GRCh37 (hg19) VCF-style: chr1-103412410-C-T.
Other names: c.3154G>A, p.Ala1052Thr (NM_001190709.2); c.3307G>A, p.Ala1103Thr (NM_080629.3); c.2923G>A, p.Ala975Thr (NM_080630.4); short protein forms A975T, A1103T, A1052T, A1091T.
Identifiers: ClinVar variation 1522146 (VCV001522146.9), dbSNP rs1450713198, ClinGen allele CA341170832.

ClinVar aggregate classification (germline): Uncertain significance. Review status: criteria provided, multiple submitters, no conflicts (2 of 4 stars). 2 submissions from 2 submitters: Uncertain significance (2). Last evaluated 2021-07-01.

Allele frequency attached by ClinVar (database versions not stated): gnomAD exomes below 0.00001; TOPMed below 0.00001; gnomAD 0.00001.
gnomAD v4.1: 3 of 1,612,646 alleles (0.00019%); highest among the groups gnomAD compares: Non-Finnish European, 0.00025%; no homozygotes.

Submissions (2):

Blueprint Genetics
Classification: Uncertain significance. Last evaluated: 2021-07-01. Review status: criteria provided, single submitter. Criteria: ACMG Guidelines, 2015. Collection method: clinical testing. Allele origin: germline.

Labcorp Genetics (formerly Invitae), Labcorp
Classification: Uncertain significance. Last evaluated: 2021-04-02. Review status: criteria provided, single submitter. Criteria: Invitae Variant Classification Sherloc (09022015). Collection method: clinical testing. Allele origin: germline.
Comment: In summary, the available evidence is currently insufficient to determine the role of this variant in disease. Therefore, it has been classified as a Variant of Uncertain Significance. Advanced modeling of protein sequence and biophysical properties (such as structural, functional, and spatial information, amino acid conservation, physicochemical variation, residue mobility, and thermodynamic stability) performed at Invitae indicates that this missense variant is not expected to disrupt COL11A1 protein function. This variant has not been reported in the literature in individuals with COL11A1-related conditions. This variant is not present in population databases (ExAC no frequency). This sequence change replaces alanine with threonine at codon 1091 of the COL11A1 protein (p.Ala1091Thr). The alanine residue is highly conserved and there is a small physicochemical difference between alanine and threonine.